The following is an entry in ClinVar:

NM_080732.4(EGLN2):c.58T>C (p.Ser20Pro)

Genes: EGLN2 (egl-9 family hypoxia inducible factor 2; plus strand), RAB4B-EGLN2 (RAB4B-EGLN2 readthrough (NMD candidate); plus strand). Cytogenetic location: 19q13.2.
Variant type: single nucleotide variant.
Coding change: c.58T>C on transcript NM_080732.4 (MANE Select); coding-DNA position 58, T replaced by C.
Protein change: p.Ser20Pro; replaces serine 20 with proline.
Molecular consequence: missense variant. On other transcripts: non-coding transcript variant (1).
Genome position (GRCh38, 1-based): chr19:40,800,630, T>C. VCF-style: chr19-40800630-T-C. GRCh37 (hg19) VCF-style: chr19-41306535-T-C.
Other names: c.58T>C, p.Ser20Pro (NM_053046.4); short protein forms S20P.
Identifiers: ClinVar variation 3507281 (VCV003507281.1).

ClinVar aggregate classification (germline): Uncertain significance (1 of 4 stars; one submission).

Submission:

Ambry Genetics
Classification: Uncertain significance. Last evaluated: 2024-09-01. Review status: criteria provided, single submitter. Criteria: Ambry Variant Classification Scheme 2023. Collection method: clinical testing. Allele origin: germline.
Comment: The p.S20P variant (also known as c.58T>C), located in coding exon 1 of the EGLN2 gene, results from a T to C substitution at nucleotide position 58. The serine at codon 20 is replaced by proline, an amino acid with similar properties. This amino acid position is conserved. In addition, this alteration is predicted to be tolerated by in silico analysis. Based on the available evidence, the clinical significance of this variant remains unclear.